The following is an entry in ClinVar:

NM_005529.7(HSPG2):c.8354C>T (p.Pro2785Leu)

Gene: HSPG2 (heparan sulfate proteoglycan 2; minus strand). Cytogenetic location: 1p36.12.
Variant type: single nucleotide variant.
Coding change: c.8354C>T on transcript NM_005529.7 (MANE Select); coding-DNA position 8354, C replaced by T.
Protein change: p.Pro2785Leu; replaces proline 2785 with leucine.
Molecular consequence: missense variant.
Genome position (GRCh38, 1-based): chr1:21,846,218, G>A on the plus strand (C>T on the coding strand, the complement: HSPG2 is on the minus strand). VCF-style: chr1-21846218-G-A. GRCh37 (hg19) VCF-style: chr1-22172711-G-A.
Other names: c.8357C>T, p.Pro2786Leu (NM_001291860.2); c.8354C>T (NM_005529.5); short protein forms P2786L, P2785L.
Identifiers: ClinVar variation 1501194 (VCV001501194.6), dbSNP rs151288507, ClinGen allele CA670808.
Genomic context (GRCh38, chr1:21,846,218, plus strand): 5'-GAGGCCTCCAGGGGGCCAGAGCTGCCCATCACCCGGCACACGTATTCACCCGAGTCGGCC[G>A]GGGACACATGGTGCAGCCGCAGCCGTGAGCCGCGGGTCTGAATAGGGGACAGGACAGAGG-3'
Protein context (NP_005520.4, residues 2775-2795): GSRLRLHHVS[Pro2785Leu]ADSGEYVCRV

ClinVar aggregate classification (germline): Uncertain significance. Review status: criteria provided, multiple submitters, no conflicts (2 of 4 stars). 3 submissions from 3 submitters: Uncertain significance (3). Last evaluated 2025-02-07.

Conditions:
Inborn genetic diseases. Identifiers: MedGen C0950123, MeSH D030342.

Allele frequency attached by ClinVar (database versions not stated): gnomAD exomes 0.00005 and 0.00011; ExAC 0.00010; ESP Exome Variant Server 0.00039; gnomAD 0.00050 and 0.00057; TOPMed 0.00058.
gnomAD v4.1: 151 of 1,612,862 alleles (0.0094%); highest among the groups gnomAD compares: African/African-American, 0.18%; no homozygotes.

Submissions (3):

Ambry Genetics
Classification: Uncertain significance for Inborn genetic diseases. Last evaluated: 2025-02-07. Review status: criteria provided, single submitter. Criteria: Ambry Variant Classification Scheme 2023. Collection method: clinical testing. Allele origin: germline.

ARUP Laboratories, Molecular Genetics and Genomics, ARUP Laboratories
Classification: Uncertain significance. Last evaluated: 2024-06-21. Review status: criteria provided, single submitter. Criteria: ARUP Molecular Germline Variant Investigation Process 2024. Collection method: clinical testing. Allele origin: germline.
Comment: The HSPG2 c.8354C>T; p.Pro2785Leu variant (rs151288507), to our knowledge, is not reported in the medical literature but is reported in ClinVar (Variation ID: 1501194). This variant is found in the African/African-American population with an allele frequency of 0.13% (32/24,054 alleles) in the Genome Aggregation Database (v2.1.1). Computational analyses predict that this variant is neutral (REVEL: 0.077). While the relatively high population frequency suggests that this is likely a benign variant, given the lack of clinical and functional data, the significance of this variant is uncertain at this time.

Labcorp Genetics (formerly Invitae), Labcorp
Classification: Uncertain significance. Last evaluated: 2022-06-25. Review status: criteria provided, single submitter. Criteria: Invitae Variant Classification Sherloc (09022015). Collection method: clinical testing. Allele origin: germline.
Comment: This sequence change replaces proline, which is neutral and non-polar, with leucine, which is neutral and non-polar, at codon 2785 of the HSPG2 protein (p.Pro2785Leu). This variant is present in population databases (rs151288507, gnomAD 0.1%). This variant has not been reported in the literature in individuals affected with HSPG2-related conditions. Algorithms developed to predict the effect of missense changes on protein structure and function output the following: SIFT: "Tolerated"; PolyPhen-2: "Benign"; Align-GVGD: "Class C0". The leucine amino acid residue is found in multiple mammalian species, which suggests that this missense change does not adversely affect protein function. In summary, the available evidence is currently insufficient to determine the role of this variant in disease. Therefore, it has been classified as a Variant of Uncertain Significance.